The following is an entry in ClinVar:

NM_014946.4(SPAST):c.1785C>A (p.Ser595Arg)

Gene: SPAST (spastin; plus strand). Cytogenetic location: 2p22.3.
Variant type: single nucleotide variant.
Coding change: c.1785C>A on transcript NM_014946.4 (MANE Select); coding-DNA position 1785, C replaced by A.
Protein change: p.Ser595Arg; replaces serine 595 with arginine.
Molecular consequence: missense variant. On other transcripts: 3 prime UTR variant (1).
Genome position (GRCh38, 1-based): chr2:32,154,430, C>A. VCF-style: chr2-32154430-C-A. GRCh37 (hg19) VCF-style: chr2-32379499-C-A.
Other names: SPG4; c.1782C>A, p.Ser594Arg (NM_001363823.2); c.1686C>A, p.Ser562Arg (NM_001363875.2); c.*58C>A (NM_001377959.1); c.1689C>A, p.Ser563Arg (NM_199436.2); short protein forms S595R, S562R, S594R, S563R.
Identifiers: ClinVar variation 493274 (VCV000493274.69), dbSNP rs145206063, ClinGen allele CA346505640.

ClinVar aggregate classification (germline): Conflicting classifications of pathogenicity. Review status: criteria provided, conflicting classifications (1 of 4 stars). 5 submissions from 5 submitters: Likely pathogenic (3); Uncertain significance (1). 1 of the submissions does not count toward it. Last evaluated 2025-10-01.

Conditions:
Hereditary spastic paraplegia 4. Also called: Spastic paraplegia 4, autosomal dominant; Spastic Paraplegia 4; Familial spastic paraplegia autosomal dominant 2. Identifiers: Orphanet 100985, MedGen C1866855, MONDO:0008438, OMIM 182601.

Submissions (5):

GeneDx
Classification: Likely pathogenic. Last evaluated: 2025-10-01. Review status: criteria provided, single submitter. Criteria: GeneDx Variant Classification Process June 2021. Collection method: clinical testing. Allele origin: germline.
Comment: In silico analysis supports that this missense variant has a deleterious effect on protein structure/function; Not observed at significant frequency in large population cohorts (gnomAD); This variant is associated with the following publications: (PMID: 21139634, 26094131, 36825575, 34782662)

Institute of Medical Genetics and Applied Genomics, University Hospital Tübingen
Classification: Likely pathogenic. Last evaluated: 2020-10-23. Review status: criteria provided, single submitter. Criteria: ACMG Guidelines, 2015. Collection method: clinical testing. Allele origin: germline. Inheritance: Unknown mechanism. Affected: yes.

Athena Diagnostics
Classification: Uncertain significance. Last evaluated: 2018-10-15. Review status: criteria provided, single submitter. Criteria: Athena Diagnostics Criteria. Collection method: clinical testing. Allele origin: germline.

CeGaT Center for Human Genetics Tuebingen
Classification: Likely pathogenic. Last evaluated: 2017-09-01. Review status: criteria provided, single submitter. Criteria: CeGaT Center For Human Genetics Tuebingen Variant Classification Criteria Version 2. Collection method: clinical testing. Allele origin: germline. Affected: yes. Observed: 1 variant allele.

Department of Neurology, Affiliated Hospital of Jining Medical University
Classification: Pathogenic for Hereditary spastic paraplegia 4. Last evaluated: 2022-10-08. Review status: no assertion criteria provided. Collection method: provider interpretation. Allele origin: inherited. Affected: yes. Not counted in ClinVar's aggregate classification.
Comment: Patients exhibited lower limb spasticity and weakness, increased muscle tone in both lower limbs, varying degrees of reduction in muscle strength, tendon hyperreflexia, and bilateral Babinski sign (+).